The following is an entry in ClinVar:

ClinVar aggregate classification (germline): Uncertain significance. Review status: criteria provided, multiple submitters, no conflicts (2 of 4 stars). 2 submissions from 2 submitters: Uncertain significance (2). Last evaluated 2025-09-15.

Conditions:
Inborn genetic diseases. Identifiers: MedGen C0950123, MeSH D030342.

Allele frequency attached by ClinVar (database versions not stated): gnomAD exomes 0.00001; gnomAD 0.00005.

Submissions (2):

Labcorp Genetics (formerly Invitae), Labcorp
Classification: Uncertain significance. Last evaluated: 2025-09-15. Review status: criteria provided, single submitter. Criteria: Invitae Variant Classification Sherloc (09022015). Collection method: clinical testing. Allele origin: germline.
Comment: This variant, c.1367_1381del, is a complex sequence change that results in the deletion of 6 and insertion of 1 amino acid(s) in the ARID1B protein (p.Gln456_Gly461delinsArg). The frequency data for this variant in the population databases is considered unreliable, as metrics indicate insufficient coverage at this position in the gnomAD database. This variant has not been reported in the literature in individuals affected with ARID1B-related conditions. ClinVar contains an entry for this variant (Variation ID: 1770946). Experimental studies and prediction algorithms are not available or were not evaluated, and the functional significance of this variant is currently unknown. In summary, the available evidence is currently insufficient to determine the role of this variant in disease. Therefore, it has been classified as a Variant of Uncertain Significance.

Ambry Genetics
Classification: Uncertain significance for Inborn genetic diseases. Last evaluated: 2017-12-27. Review status: criteria provided, single submitter. Criteria: Ambry Variant Classification Scheme 2023. Collection method: clinical testing. Allele origin: germline.
Comment: The c.1367_1381del15 variant (also known as p.Q456_G461delinsR) is located in coding exon 1 of the ARID1B gene. This variant results from an in-frame deletion of 15 nucleotides from positions 1367 to 1381. This results in the deletion of 6 amino acids between codons 456 and 461. These amino acid positions are not well conserved in available vertebrate species. Since supporting evidence is limited at this time, the clinical significance of this alteration remains unclear.

NM_001374828.1(ARID1B):c.1616_1630del (p.Gln539_Gly544delinsArg)

Gene: ARID1B (AT-rich interaction domain 1B; plus strand). Cytogenetic location: 6q25.3.
Variant type: Deletion.
Coding change: c.1616_1630del on transcript NM_001374828.1 (MANE Select); coding-DNA positions 1616 to 1630, 15 bases deleted (AGGCGGCGGCGGCGG).
Protein change: p.Gln539_Gly544delinsArg.
Molecular consequence: inframe indel.
Genome position (GRCh38, 1-based): chr6:156,779,296-156,779,310, AGGCGGCGGCGGCGG deleted. VCF-style (leftmost placement, unchanged base first): chr6-156779295-CAGGCGGCGGCGGCGG-C. GRCh37 (hg19) VCF-style: chr6-157100429-CAGGCGGCGGCGGCGG-C.
Other names: c.1616_1630del, p.Gln539_Gly544delinsArg (NM_001371656.1, NM_001374820.1, NM_017519.3); c.1367_1381del15 (NM_020732.3).
Identifiers: ClinVar variation 1770946 (VCV001770946.7), dbSNP rs1043182758, ClinGen allele CA150802785.